The following is an entry in ClinVar:

ClinVar aggregate classification (germline): Likely pathogenic (1 of 4 stars; one submission).

Submission:

Labcorp Genetics (formerly Invitae), Labcorp
Classification: Likely pathogenic. Last evaluated: 2023-02-16. Review status: criteria provided, single submitter. Criteria: Invitae Variant Classification Sherloc (09022015). Collection method: clinical testing. Allele origin: germline.
Comment: This sequence change replaces asparagine, which is neutral and polar, with lysine, which is basic and polar, at codon 1033 of the TBCD protein (p.Asn1033Lys). This variant is not present in population databases (gnomAD no frequency). This missense change has been observed in individual(s) with TBCD-related conditions (PMID: 29921875). It has also been observed to segregate with disease in related individuals. Advanced modeling of protein sequence and biophysical properties (such as structural, functional, and spatial information, amino acid conservation, physicochemical variation, residue mobility, and thermodynamic stability) has been performed at Invitae for this missense variant, however the output from this modeling did not meet the statistical confidence thresholds required to predict the impact of this variant on TBCD protein function. Studies have shown that this missense change alters TBCD gene expression (PMID: 29921875). In summary, the currently available evidence indicates that the variant is pathogenic, but additional data are needed to prove that conclusively. Therefore, this variant has been classified as Likely Pathogenic.

Literature cited by the submitters: PubMed 29921875.

NM_005993.5(TBCD):c.3099C>A (p.Asn1033Lys)

Gene: TBCD (tubulin folding cofactor D). Cytogenetic location: 17q25.3.
Variant type: single nucleotide variant.
Coding change: c.3099C>A on transcript NM_005993.5 (MANE Select); coding-DNA position 3099, C replaced by A.
Protein change: p.Asn1033Lys; replaces asparagine 1033 with lysine.
Molecular consequence: missense variant.
Genome position (GRCh38, 1-based): chr17:82,930,629, C>A. VCF-style: chr17-82930629-C-A. GRCh37 (hg19) VCF-style: chr17-80888505-C-A.
Other names: c.3048C>A, p.Asn1016Lys (NM_001411101.1); c.3018C>A, p.Asn1006Lys (NM_001411102.1); short protein forms N1016K, N1006K, N1033K.
Identifiers: ClinVar variation 2838181 (VCV002838181.3), dbSNP rs748615072, ClinGen allele CA401635351.